The following is an entry in ClinVar:

NM_000944.5(PPP3CA):c.1255_1258dup (p.Val420fs)

Gene: PPP3CA (protein phosphatase 3 catalytic subunit alpha; minus strand). Cytogenetic location: 4q24.
Variant type: Duplication.
Coding change: c.1255_1258dup on transcript NM_000944.5 (MANE Select); coding-DNA positions 1255 to 1258, 4 bases duplicated (AGTG; older notation c.1255_1258dupAGTG).
Protein change: p.Val420fs; shifts the reading frame from valine 420.
Molecular consequence: frameshift variant.
Genome position (GRCh38, 1-based): chr4:101,032,348-101,032,351, CACT duplicated on the plus strand (AGTG on the coding strand, the reverse complement: PPP3CA is on the minus strand); duplicating any 4 consecutive bases within chr4:101,032,348-101,032,352 gives the same sequence; the c. name uses the placement nearest the transcript's 3' end. VCF-style (leftmost placement, unchanged base first): chr4-101032347-A-ACACT. GRCh37 (hg19) VCF-style: chr4-101953504-A-ACACT.
Other names: c.1255_1258dup, p.Val420fs (NM_001130691.2); c.1129_1132dup, p.Val378fs (NM_001130692.2); c.1258_1259insAGTG (NM_000944.5); short protein forms V378fs, V420fs.
Identifiers: ClinVar variation 3900644 (VCV003900644.1).

ClinVar aggregate classification (germline): Pathogenic (1 of 4 stars; one submission).

Conditions:
Developmental and epileptic encephalopathy 91. Also called: EPILEPTIC ENCEPHALOPATHY, INFANTILE OR EARLY CHILDHOOD, 1. Identifiers: MedGen C4540199, MONDO:0020630, OMIM 617711.

Submission:

Pediatric Department, Peking University First Hospital
Classification: Pathogenic for Developmental and epileptic encephalopathy 91. Last evaluated: 2025-05-24. Review status: criteria provided, single submitter. Criteria: ACMG Guidelines, 2015. Collection method: research. Allele origin: de novo. Affected: yes.
Comment: Pathogenic(PVS1, PS2, PM2)